The following is an entry in ClinVar:

ClinVar aggregate classification (germline): Uncertain significance (1 of 4 stars; one submission).

Submission:

Labcorp Genetics (formerly Invitae), Labcorp
Classification: Uncertain significance. Last evaluated: 2024-10-27. Review status: criteria provided, single submitter. Criteria: Invitae Variant Classification Sherloc (09022015). Collection method: clinical testing. Allele origin: germline.
Comment: This sequence change replaces glycine, which is neutral and non-polar, with serine, which is neutral and polar, at codon 241 of the GHR protein (p.Gly241Ser). This variant is present in population databases (no rsID available, gnomAD 0.0009%). This variant has not been reported in the literature in individuals affected with GHR-related conditions. Invitae Evidence Modeling of protein sequence and biophysical properties (such as structural, functional, and spatial information, amino acid conservation, physicochemical variation, residue mobility, and thermodynamic stability) indicates that this missense variant is not expected to disrupt GHR protein function with a negative predictive value of 80%. In summary, the available evidence is currently insufficient to determine the role of this variant in disease. Therefore, it has been classified as a Variant of Uncertain Significance.

NM_000163.5(GHR):c.721G>A (p.Gly241Ser)

Gene: GHR (growth hormone receptor; plus strand). Cytogenetic location: 5p12.
Variant type: single nucleotide variant.
Coding change: c.721G>A on transcript NM_000163.5 (MANE Select); coding-DNA position 721, G replaced by A.
Protein change: p.Gly241Ser; replaces glycine 241 with serine.
Molecular consequence: missense variant.
Genome position (GRCh38, 1-based): chr5:42,711,309, G>A. VCF-style: chr5-42711309-G-A. GRCh37 (hg19) VCF-style: chr5-42711411-G-A.
Other names: c.721G>A, p.Gly241Ser (NM_001242406.2, NM_001242462.1, NM_001242400.2 and 5 more transcripts); c.655G>A, p.Gly219Ser (NM_001242460.2); c.742G>A, p.Gly248Ser (NM_001242399.2); short protein forms G219S, G241S, G248S.
Identifiers: ClinVar variation 3611157 (VCV003611157.2).